The following is an entry in ClinVar:

NM_004793.4(LONP1):c.2359C>T (p.Pro787Ser)

Gene: LONP1 (lon peptidase 1, mitochondrial; minus strand). Cytogenetic location: 19p13.3.
Variant type: single nucleotide variant.
Coding change: c.2359C>T on transcript NM_004793.4 (MANE Select); coding-DNA position 2359, C replaced by T.
Protein change: p.Pro787Ser; replaces proline 787 with serine.
Molecular consequence: missense variant. On other transcripts: non-coding transcript variant (1).
Genome position (GRCh38, 1-based): chr19:5,693,731, G>A on the plus strand (C>T on the coding strand, the complement: LONP1 is on the minus strand). VCF-style: chr19-5693731-G-A. GRCh37 (hg19) VCF-style: chr19-5693742-G-A.
Other names: c.2167C>T, p.Pro723Ser (NM_001276479.2); c.1771C>T, p.Pro591Ser (NM_001276480.1); short protein forms P787S, P591S, P723S.
Identifiers: ClinVar variation 5009195 (VCV005009195.1).
Genomic context (GRCh38, chr19:5,693,731, plus strand): 5'-CCAGCTGGCCTGTCACCTCCAGGCTGCCATCCTTGTCACCCTTGGCATCCTTGTCCTGTG[G>A]CCGTCTCAGGGATGTCTCCACAAACAGCGTGGAGCCTCCTGAAACAGGTGTGGAGCTGTG-3'
Protein context (NP_004784.2, residues 777-797): TLFVETSLRR[Pro787Ser]QDKDAKGDKD

ClinVar aggregate classification (germline): Uncertain significance (1 of 4 stars; one submission).

gnomAD v4.1: 1 of 1,613,962 alleles (0.000062%); highest among the groups gnomAD compares: Non-Finnish European, 0.000085%; no homozygotes.

Submission:

GeneDx
Classification: Uncertain significance. Last evaluated: 2026-03-14. Review status: criteria provided, single submitter. Criteria: GeneDx Variant Classification Process June 2021. Collection method: clinical testing. Allele origin: germline.
Comment: Not observed at significant frequency in large population cohorts (gnomAD); In silico analysis supports that this missense variant has a deleterious effect on protein structure/function; Has not been previously published as pathogenic or benign to our knowledge